The following is an entry in ClinVar:

NM_006206.6(PDGFRA):c.2357A>T (p.Asn786Ile)

Gene: PDGFRA (platelet derived growth factor receptor alpha; plus strand). Cytogenetic location: 4q12.
Variant type: single nucleotide variant.
Coding change: c.2357A>T on transcript NM_006206.6 (MANE Select); coding-DNA position 2357, A replaced by T.
Protein change: p.Asn786Ile; replaces asparagine 786 with isoleucine.
Molecular consequence: missense variant.
Genome position (GRCh38, 1-based): chr4:54,285,404, A>T. VCF-style: chr4-54285404-A-T. GRCh37 (hg19) VCF-style: chr4-55151571-A-T.
Other names: c.2432A>T, p.Asn811Ile (NM_001347828.2); c.2357A>T, p.Asn786Ile (NM_001347829.2); c.2396A>T, p.Asn799Ile (NM_001347830.2); short protein forms N786I, N799I, N811I.
Identifiers: ClinVar variation 2087216 (VCV002087216.5), dbSNP rs2110335579, ClinGen allele CA356894652.

ClinVar aggregate classification (germline): Uncertain significance. Review status: criteria provided, multiple submitters, no conflicts (2 of 4 stars). 2 submissions from 2 submitters: Uncertain significance (2). Last evaluated 2026-08-19.

Conditions:
Hereditary cancer-predisposing syndrome. Also called: Tumor predisposition; Hereditary Cancer Syndrome; Hereditary neoplastic syndrome; Neoplastic Syndromes, Hereditary. Identifiers: Orphanet 140162, MedGen C0027672, MeSH D009386, MONDO:0015356.
Gastrointestinal stromal tumor. Also called: Gastrointestinal stroma tumor; Gastrointestinal stromal tumor, somatic. Identifiers: Orphanet 44890, MedGen C0238198, MeSH D046152, MONDO:0011719, OMIM 606764, HP:0100723.

gnomAD v4.1: 1 of 1,551,796 alleles (0.000064%); no homozygotes.

Submissions (2):

Ambry Genetics
Classification: Uncertain significance for Hereditary cancer-predisposing syndrome. Last evaluated: 2026-08-19. Review status: criteria provided, single submitter. Criteria: Ambry Variant Classification Scheme 2023. Collection method: clinical testing. Allele origin: germline.
Comment: The p.N786I variant (also known as c.2357A>T), located in coding exon 16 of the PDGFRA gene, results from an A to T substitution at nucleotide position 2357. The asparagine at codon 786 is replaced by isoleucine, an amino acid with dissimilar properties. This amino acid position is conserved. In addition, this alteration is predicted to be tolerated by in silico analysis. Based on the available evidence, the clinical significance of this variant remains unclear.

Labcorp Genetics (formerly Invitae), Labcorp
Classification: Uncertain significance for Gastrointestinal stromal tumor. Last evaluated: 2022-01-17. Review status: criteria provided, single submitter. Criteria: Invitae Variant Classification Sherloc (09022015). Collection method: clinical testing. Allele origin: germline.
Comment: In summary, the available evidence is currently insufficient to determine the role of this variant in disease. Therefore, it has been classified as a Variant of Uncertain Significance. Algorithms developed to predict the effect of missense changes on protein structure and function (SIFT, PolyPhen-2, Align-GVGD) all suggest that this variant is likely to be tolerated. This variant has not been reported in the literature in individuals affected with PDGFRA-related conditions. This variant is not present in population databases (gnomAD no frequency). This sequence change replaces asparagine, which is neutral and polar, with isoleucine, which is neutral and non-polar, at codon 786 of the PDGFRA protein (p.Asn786Ile).